The following is an entry in ClinVar:

NM_001308210.2(TSHZ1):c.642T>C (p.Tyr214=)

Gene: TSHZ1 (teashirt zinc finger homeobox 1; plus strand). Cytogenetic location: 18q22.3.
Variant type: single nucleotide variant.
Coding change: c.642T>C on transcript NM_001308210.2 (MANE Select); coding-DNA position 642, T replaced by C.
Protein change: p.Tyr214=; no amino-acid change (tyrosine 214 retained).
Molecular consequence: synonymous variant.
Genome position (GRCh38, 1-based): chr18:75,286,049, T>C. VCF-style: chr18-75286049-T-C. GRCh37 (hg19) VCF-style: chr18-72998004-T-C.
Other names: c.507T>C, p.Tyr169= (NM_005786.6); c.642T>C (NM_001308210.1).
Identifiers: ClinVar variation 327806 (VCV000327806.11), dbSNP rs3744908, ClinGen allele CA9001871.

ClinVar aggregate classification (germline): Benign. Review status: criteria provided, multiple submitters, no conflicts (2 of 4 stars). 5 submissions from 5 submitters: Benign (2). 3 of the submissions do not count toward it. Last evaluated 2021-09-10.

Conditions:
TSHZ1-related disorder. Also called: TSHZ1-related condition.
Aural atresia, congenital (CAA). Also called: AURAL ATRESIA, CONGENITAL, WITH HYPOSMIA. Identifiers: MedGen C1842937, MONDO:0011921, OMIM 607842.

Allele frequency attached by ClinVar (database versions not stated): 1000 Genomes Project 30x 0.27530; 1000 Genomes Project 0.27576; TOPMed 0.31192; gnomAD 0.32210 and 0.32491; ESP Exome Variant Server 0.32224; gnomAD exomes 0.35195 and 0.38633; ExAC 0.36219.
gnomAD v4.1: 612,876 of 1,612,406 alleles (38%); highest among the groups gnomAD compares: Non-Finnish European, 40%; 120,089 homozygotes.

Submissions (5):

Genome-Nilou Lab
Classification: Benign for Aural atresia, congenital. Last evaluated: 2021-09-10. Review status: criteria provided, single submitter. Criteria: ACMG Guidelines, 2015. Collection method: clinical testing. Allele origin: germline. Affected: no.

Breakthrough Genomics
Classification: Benign. Review status: criteria provided, single submitter. Criteria: ACMG Guidelines, 2015. Collection method: not provided. Allele origin: germline. Inheritance: Autosomal dominant inheritance. Affected: yes.

PreventionGenetics, part of Exact Sciences
Classification: Benign for TSHZ1-related condition. Last evaluated: 2023-03-15. Review status: no assertion criteria provided. Collection method: clinical testing. Allele origin: germline. Not counted in ClinVar's aggregate classification.
Comment: This variant is classified as benign based on ACMG/AMP sequence variant interpretation guidelines (Richards et al. 2015 PMID: 25741868, with internal and published modifications).

Diagnostic Laboratory, Department of Genetics, University Medical Center Groningen
Classification: Benign. Review status: no assertion criteria provided. Collection method: clinical testing. Allele origin: germline. Affected: yes. Study: VKGL Data-share Consensus. Not counted in ClinVar's aggregate classification.

Joint Genome Diagnostic Labs from Nijmegen and Maastricht, Radboudumc and MUMC+
Classification: Benign. Review status: no assertion criteria provided. Collection method: clinical testing. Allele origin: germline. Affected: yes. Study: VKGL Data-share Consensus. Not counted in ClinVar's aggregate classification.